The following is an entry in ClinVar:

NC_000005.10:g.156326973A>T

Gene: SGCD (sarcoglycan delta; plus strand). Cytogenetic location: 5q33.3.
Variant type: single nucleotide variant.
Genome position: GRCh38 VCF-style: chr5-156326973-A-T. GRCh37 (hg19) VCF-style: chr5-155753983-A-T.
Other names: c.-303A>T (NM_000337.5).
Identifiers: ClinVar variation 48111 (VCV000048111.15), dbSNP rs7725121, ClinGen allele CA142613.

ClinVar aggregate classification (germline): Benign/Likely benign. Review status: criteria provided, multiple submitters, no conflicts (2 of 4 stars). 6 submissions from 5 submitters: Benign (3); Likely benign (3). Last evaluated 2023-02-08.

Conditions:
Qualitative or quantitative defects of delta-sarcoglycan. Identifiers: Orphanet 207070, MedGen C5680806, MONDO:0016144.
Autosomal recessive limb-girdle muscular dystrophy type 2F (LGMDR6). Also called: MUSCULAR DYSTROPHY, LIMB-GIRDLE, AUTOSOMAL RECESSIVE 6; Muscular dystrophy limb-girdle with delta-sarcoglyan deficiency. Identifiers: Orphanet 219, MedGen C1832525, MONDO:0011028, OMIM 601287. Disease mechanism: Affects gamma-sarcoglycan and also disrupts the integrity of the entire sarcoglycan complex..
Dilated cardiomyopathy 1L (CMD1L). Identifiers: Orphanet 154, MedGen C1847667, MONDO:0011702, OMIM 606685.

Allele frequency attached by ClinVar (database versions not stated): 1000 Genomes Project 0.07907; TOPMed 0.06688; gnomAD 0.06784 and 0.06375; 1000 Genomes Project 30x 0.07761; gnomAD exomes 0.08333.
gnomAD v4.1: 10,353 of 152,408 alleles (6.8%); highest among the groups gnomAD compares: South Asian, 19%; 381 homozygotes.

Submissions (6):

Genome-Nilou Lab
Classification: Likely benign for Autosomal recessive limb-girdle muscular dystrophy type 2F. Last evaluated: 2023-02-08. Review status: criteria provided, single submitter. Criteria: ACMG Guidelines, 2015. Collection method: clinical testing. Allele origin: germline.

Genome-Nilou Lab
Classification: Likely benign for Dilated cardiomyopathy 1L. Last evaluated: 2023-02-08. Review status: criteria provided, single submitter. Criteria: ACMG Guidelines, 2015. Collection method: clinical testing. Allele origin: germline.

Illumina Laboratory Services, Illumina
Classification: Benign for Qualitative or quantitative defects of delta-sarcoglycan. Last evaluated: 2018-01-12. Review status: criteria provided, single submitter. Criteria: ICSL Variant Classification Criteria 13 December 2019. Collection method: clinical testing. Allele origin: germline.
Comment: This variant was observed in the ICSL laboratory as part of a predisposition screen in an ostensibly healthy population. It had not been previously curated by ICSL or reported in the Human Gene Mutation Database (HGMD: prior to June 1st, 2018), and was therefore a candidate for classification through an automated scoring system. Utilizing variant allele frequency, disease prevalence and penetrance estimates, and inheritance mode, an automated score was calculated to assess if this variant is too frequent to cause the disease. Based on the score and internal cut-off values, a variant classified as benign is not then subjected to further curation. The score for this variant resulted in a classification of benign for this disease.

GeneDx
Classification: Benign. Last evaluated: 2015-03-03. Review status: criteria provided, single submitter. Criteria: GeneDx Variant Classification Process June 2021. Collection method: clinical testing. Allele origin: germline. Affected: yes.

Laboratory for Molecular Medicine, Mass General Brigham Personalized Medicine
Classification: Benign. Last evaluated: 2012-04-20. Review status: criteria provided, single submitter. Criteria: LMM Criteria. Collection method: clinical testing. Allele origin: germline. Observed: 174 variant alleles.

Breakthrough Genomics
Classification: Likely benign. Review status: criteria provided, single submitter. Criteria: ACMG Guidelines, 2015. Collection method: not provided. Allele origin: germline. Inheritance: Autosomal recessive inheritance. Affected: yes.